The following is an entry in ClinVar:

ClinVar aggregate classification (germline): Conflicting classifications of pathogenicity. Review status: criteria provided, conflicting classifications (1 of 4 stars). 3 submissions from 3 submitters: Uncertain significance (2); Likely benign (1). Last evaluated 2024-11-25.

Allele frequency attached by ClinVar (database versions not stated): TOPMed below 0.00001; ExAC 0.00001.

Submissions (3):

Labcorp Genetics (formerly Invitae), Labcorp
Classification: Uncertain significance. Last evaluated: 2024-11-25. Review status: criteria provided, single submitter. Criteria: Invitae Variant Classification Sherloc (09022015). Collection method: clinical testing. Allele origin: germline.
Comment: This sequence change replaces aspartic acid, which is acidic and polar, with asparagine, which is neutral and polar, at codon 190 of the STUB1 protein (p.Asp190Asn). This variant is present in population databases (rs764657057, gnomAD 0.0009%). This variant has not been reported in the literature in individuals affected with STUB1-related conditions. ClinVar contains an entry for this variant (Variation ID: 2645847). Invitae Evidence Modeling of protein sequence and biophysical properties (such as structural, functional, and spatial information, amino acid conservation, physicochemical variation, residue mobility, and thermodynamic stability) indicates that this missense variant is not expected to disrupt STUB1 protein function with a negative predictive value of 80%. In summary, the available evidence is currently insufficient to determine the role of this variant in disease. Therefore, it has been classified as a Variant of Uncertain Significance.

Women's Health and Genetics/Laboratory Corporation of America, LabCorp
Classification: Uncertain significance. Last evaluated: 2024-02-20. Review status: criteria provided, single submitter. Criteria: LabCorp Variant Classification Summary - May 2015. Collection method: clinical testing. Allele origin: germline.
Comment: Variant summary: STUB1 c.568G>A (p.Asp190Asn) results in a conservative amino acid change in the encoded protein sequence. Four of five in-silico tools predict a benign effect of the variant on protein function. The variant allele was found at a frequency of 4e-06 in 248818 control chromosomes (gnomAD). The available data on variant occurrences in the general population are insufficient to allow any conclusion about variant significance. To our knowledge, no occurrence of c.568G>A in individuals affected with Autosomal Recessive Spinocerebellar Ataxia 16 and no experimental evidence demonstrating its impact on protein function have been reported. ClinVar contains an entry for this variant (Variation ID: 2645847). Based on the evidence outlined above, the variant was classified as uncertain significance.

CeGaT Center for Human Genetics Tuebingen
Classification: Likely benign. Last evaluated: 2022-04-01. Review status: criteria provided, single submitter. Criteria: CeGaT Center For Human Genetics Tuebingen Variant Classification Criteria Version 2. Collection method: clinical testing. Allele origin: germline. Affected: yes. Observed: 1 variant allele.
Comment: STUB1: BP4

NM_005861.4(STUB1):c.568G>A (p.Asp190Asn)

Genes: JMJD8 (jumonji domain containing 8; minus strand), STUB1 (STIP1 homology and U-box containing protein 1; plus strand). Cytogenetic location: 16p13.3.
Variant type: single nucleotide variant.
Coding change: c.568G>A on transcript NM_005861.4 (MANE Select); coding-DNA position 568, G replaced by A.
Protein change: p.Asp190Asn; replaces aspartic acid 190 with asparagine.
Molecular consequence: missense variant. On other transcripts: 3 prime UTR variant (5), non-coding transcript variant (3).
Genome position (GRCh38, 1-based): chr16:681,836, G>A. VCF-style: chr16-681836-G-A. GRCh37 (hg19) VCF-style: chr16-731836-G-A.
Other names: c.352G>A, p.Asp118Asn (NM_001293197.2); c.*958C>T (NM_001005920.4, NM_001323919.3, NM_001323920.3); c.*992C>T (NM_001323918.3, NM_001323922.3); short protein forms D118N, D190N.
Identifiers: ClinVar variation 2645847 (VCV002645847.26), dbSNP rs764657057, ClinGen allele CA7786669.